The following is an entry in ClinVar:

NM_001077350.3(NPRL3):c.1106C>G (p.Ser369Cys)

Genes: HBA-LCR (alpha-globin locus control region; plus strand), NPRL3 (NPR3 like, GATOR1 complex subunit; minus strand). Cytogenetic location: 16p13.3.
Variant type: single nucleotide variant.
Coding change: c.1106C>G on transcript NM_001077350.3 (MANE Select); coding-DNA position 1106, C replaced by G.
Protein change: p.Ser369Cys; replaces serine 369 with cysteine.
Molecular consequence: missense variant.
Genome position (GRCh38, 1-based): chr16:92,651, G>C on the plus strand (C>G on the coding strand, the complement: NPRL3 is on the minus strand). VCF-style: chr16-92651-G-C. GRCh37 (hg19) VCF-style: chr16-142649-G-C.
Other names: c.569C>G, p.Ser190Cys (NM_001039476.3); c.872C>G, p.Ser291Cys (NM_001243247.2); c.1031C>G, p.Ser344Cys (NM_001243248.2, NM_001243249.2); short protein forms S369C, S344C, S190C, S291C.
Identifiers: ClinVar variation 959284 (VCV000959284.9), dbSNP rs1050077507, ClinGen allele CA276460846.

ClinVar aggregate classification (germline): Uncertain significance. Review status: criteria provided, multiple submitters, no conflicts (2 of 4 stars). 2 submissions from 2 submitters: Uncertain significance (2). Last evaluated 2024-10-20.

Conditions:
Inborn genetic diseases. Identifiers: MedGen C0950123, MeSH D030342.
Epilepsy, familial focal, with variable foci 3 (FFEVF3). Identifiers: MedGen C4310708, MONDO:0014925, OMIM 617118.

Allele frequency attached by ClinVar (database versions not stated): TOPMed 0.00002.
gnomAD v4.1: 4 of 1,613,736 alleles (0.00025%); highest among the groups gnomAD compares: Non-Finnish European, 0.00034%; no homozygotes.

Submissions (2):

Ambry Genetics
Classification: Uncertain significance for Inborn genetic diseases. Last evaluated: 2024-10-20. Review status: criteria provided, single submitter. Criteria: Ambry Variant Classification Scheme 2023. Collection method: clinical testing. Allele origin: germline.

Labcorp Genetics (formerly Invitae), Labcorp
Classification: Uncertain significance for Epilepsy, familial focal, with variable foci 3. Last evaluated: 2019-09-20. Review status: criteria provided, single submitter. Criteria: Invitae Variant Classification Sherloc (09022015). Collection method: clinical testing. Allele origin: germline.
Comment: In summary, the available evidence is currently insufficient to determine the role of this variant in disease. Therefore, it has been classified as a Variant of Uncertain Significance. Algorithms developed to predict the effect of missense changes on protein structure and function are either unavailable or do not agree on the potential impact of this missense change (SIFT: "Deleterious"; PolyPhen-2: "Not Available"; Align-GVGD: "Class C0"). This variant has not been reported in the literature in individuals with NPRL3-related conditions. This variant is not present in population databases (ExAC no frequency). This sequence change replaces serine with cysteine at codon 369 of the NPRL3 protein (p.Ser369Cys). The serine residue is highly conserved and there is a moderate physicochemical difference between serine and cysteine.